The following is an entry in ClinVar:

NM_001256627.2(BRSK2):c.2183C>T (p.Pro728Leu)

Gene: BRSK2 (BR serine/threonine kinase 2; plus strand). Cytogenetic location: 11p15.5.
Variant type: single nucleotide variant.
Coding change: c.2183C>T on transcript NM_001256627.2 (MANE Select); coding-DNA position 2183, C replaced by T.
Protein change: p.Pro728Leu; replaces proline 728 with leucine.
Molecular consequence: missense variant. On other transcripts: intron variant (3).
Genome position (GRCh38, 1-based): chr11:1,460,695, C>T. VCF-style: chr11-1460695-C-T. GRCh37 (hg19) VCF-style: chr11-1481925-C-T.
Other names: c.2273C>T, p.Pro758Leu (NM_001256630.1); c.*10-275C>T (NM_001256629.2, NM_001282218.2); c.1988-275C>T (NM_003957.4); c.2183C>T (NM_001256627.1); short protein forms P728L, P758L.
Identifiers: ClinVar variation 1694587 (VCV001694587.32), dbSNP rs575648032, ClinGen allele CA5811501.

ClinVar aggregate classification (germline): Likely benign. Review status: criteria provided, single submitter (1 of 4 stars). 2 submissions from 2 submitters: Likely benign (1). 1 of the submissions does not count toward it. Last evaluated 2026-04-01.

Conditions:
BRSK2-related disorder. Also called: BRSK2-related condition; BRSK2-Related Disorders.

Allele frequency attached by ClinVar (database versions not stated): 1000 Genomes Project 0.00280; ExAC 0.00403; TOPMed 0.00469; gnomAD 0.00496 and 0.00501; gnomAD exomes 0.00522 and 0.00869.
gnomAD v4.1: 12,224 of 1,485,196 alleles (0.82%); highest among the groups gnomAD compares: Non-Finnish European, 0.98%; 81 homozygotes.

Submissions (2):

CeGaT Center for Human Genetics Tuebingen
Classification: Likely benign. Last evaluated: 2026-04-01. Review status: criteria provided, single submitter. Criteria: CeGaT Center For Human Genetics Tuebingen Variant Classification Criteria Version 2. Collection method: clinical testing. Allele origin: germline. Affected: yes. Observed: 18 variant alleles.
Comment: BRSK2: BS2

PreventionGenetics, part of Exact Sciences
Classification: Benign for BRSK2-related condition. Last evaluated: 2021-09-01. Review status: no assertion criteria provided. Collection method: clinical testing. Allele origin: germline. Not counted in ClinVar's aggregate classification.
Comment: This variant is classified as benign based on ACMG/AMP sequence variant interpretation guidelines (Richards et al. 2015 PMID: 25741868, with internal and published modifications).